The following is an entry in ClinVar:

ClinVar aggregate classification (germline): Pathogenic/Likely pathogenic. Review status: criteria provided, multiple submitters, no conflicts (2 of 4 stars). 4 submissions from 4 submitters: Pathogenic (1); Likely pathogenic (3). Last evaluated 2024-02-01.

Conditions:
Intellectual disability-microcephaly-strabismus-behavioral abnormalities syndrome. Also called: White-Sutton Syndrome. Identifiers: Orphanet 468678, MedGen C4225351, MONDO:0014606, OMIM 616364.

Submissions (4):

CeGaT Center for Human Genetics Tuebingen
Classification: Likely pathogenic. Last evaluated: 2024-02-01. Review status: criteria provided, single submitter. Criteria: CeGaT Center For Human Genetics Tuebingen Variant Classification Criteria Version 2. Collection method: clinical testing. Allele origin: germline. Affected: yes. Observed: 1 variant allele.
Comment: POGZ: PVS1:Strong, PM2, PS4:Supporting

Genome-Nilou Lab
Classification: Likely pathogenic for Intellectual disability-microcephaly-strabismus-behavioral abnormalities syndrome. Last evaluated: 2023-04-11. Review status: criteria provided, single submitter. Criteria: ACMG Guidelines, 2015. Collection method: clinical testing. Allele origin: germline. Affected: no.

MGZ Medical Genetics Center
Classification: Pathogenic for Intellectual disability-microcephaly-strabismus-behavioral abnormalities syndrome. Last evaluated: 2022-05-11. Review status: criteria provided, single submitter. Criteria: ACMG Guidelines, 2015. Collection method: clinical testing. Allele origin: germline. Affected: yes. Observed: 1 variant allele.
Comment: ACMG criteria applied: PVS1, PS2_MOD, PM2_SUP

Mendelics
Classification: Likely pathogenic for Intellectual disability-microcephaly-strabismus-behavioral abnormalities syndrome. Last evaluated: 2019-05-28. Review status: criteria provided, single submitter. Criteria: Mendelics Assertion Criteria 2017. Collection method: clinical testing. Allele origin: unknown.

NM_015100.4(POGZ):c.3424C>T (p.Arg1142Ter)

Gene: POGZ (pogo transposable element derived with ZNF domain; minus strand). Cytogenetic location: 1q21.3.
Variant type: single nucleotide variant.
Coding change: c.3424C>T on transcript NM_015100.4 (MANE Select); coding-DNA position 3424, C replaced by T.
Protein change: p.Arg1142Ter; replaces arginine 1142 with a stop codon.
Molecular consequence: nonsense.
Genome position (GRCh38, 1-based): chr1:151,405,611, G>A on the plus strand (C>T on the coding strand, the complement: POGZ is on the minus strand). VCF-style: chr1-151405611-G-A. GRCh37 (hg19) VCF-style: chr1-151378087-G-A.
Other names: c.3397C>T, p.Arg1133Ter (NM_001194937.2); c.3238C>T, p.Arg1080Ter (NM_001194938.2); c.3139C>T, p.Arg1047Ter (NM_145796.4); c.3265C>T, p.Arg1089Ter (NM_207171.2); short protein forms R1047*, R1080*, R1142*, R1089*, R1133*.
Identifiers: ClinVar variation 801544 (VCV000801544.26), dbSNP rs773311942, ClinGen allele CA341943040.